The following is an entry in ClinVar:

ClinVar aggregate classification (germline): Pathogenic/Likely pathogenic. Review status: criteria provided, multiple submitters, no conflicts (2 of 4 stars). 3 submissions from 3 submitters: Pathogenic (1); Likely pathogenic (2). Last evaluated 2024-02-20.

Conditions:
Autosomal recessive limb-girdle muscular dystrophy type 2B (LGMDR2). Also called: Limb-Girdle Muscular Dystrophy Type 2B (LGMD2B); MUSCULAR DYSTROPHY, LIMB-GIRDLE, AUTOSOMAL RECESSIVE 2; MUSCULAR DYSTROPHY, LIMB-GIRDLE, TYPE 3; Limb-girdle muscular dystrophy, type 2B. Identifiers: Orphanet 268, MedGen C1850889, MONDO:0009676, OMIM 253601.
Distal myopathy with anterior tibial onset. Identifiers: Orphanet 178400, MedGen C1847532, MONDO:0011721, OMIM 606768.
Miyoshi muscular dystrophy 1 (MMD1). Identifiers: Orphanet 45448, MedGen C4551973, MONDO:0024545, OMIM 254130.
Neuromuscular disease caused by qualitative or quantitative defects of dysferlin. Also called: Qualitative or quantitative defects of dysferlin; Dysferlinopathy. Identifiers: Orphanet 207073, MedGen C2931687, MONDO:0016145.

Submissions (3):

Natera, Inc.
Classification: Likely pathogenic for Limb-girdle muscular dystrophy type 2B. Last evaluated: 2024-02-20. Review status: criteria provided, single submitter. Criteria: Natera Variant Classification Schema (03/2026). Collection method: clinical testing. Allele origin: germline.
Comment: The c.5130_5131delAG variant in DYSF is a frameshift variant predicted to shift the reading frame beginning at codon 1710 and leads to a stop codon 16 codons downstream. This variant is expected to result in nonsense mediated decay, truncation, or a dysfunctional protein product. This variant is rare in the general population with a frequency below the threshold expected for the associated phenotype(s). Given the available evidence, this variant is classified as Likely Pathogenic.

Illumina Laboratory Services, Illumina
Classification: Pathogenic for Neuromuscular disease caused by qualitative or quantitative defects of dysferlin. Last evaluated: 2020-10-27. Review status: criteria provided, single submitter. Criteria: ICSLVariantClassificationCriteria RUGD 01 April 2020. Collection method: clinical testing. Allele origin: unknown.
Comment: The DYSF c.5247_5248delAG p.(Arg1749SerfsTer16) variant causes a shift in the protein reading frame that is predicted to result in premature termination of the protein. Loss of normal protein function through either protein truncation or nonsense-mediated mRNA decay is expected. To our knowledge, this variant has not been reported in the peer-reviewed literature. This variant is not observed in version 2.1.1 or version 3.1.2 of the Genome Aggregation Database. Based on the available evidence the c.5247_5248delAG p.(Arg1749SerfsTer16) variant is classified as pathogenic for dysferlinopathy.

Juno Genomics, Hangzhou Juno Genomics, Inc
Classification: Likely pathogenic for Miyoshi muscular dystrophy 1; Autosomal recessive limb-girdle muscular dystrophy type 2B; Distal myopathy with anterior tibial onset. Review status: criteria provided, single submitter. Criteria: ACMG Guidelines, 2015. Collection method: clinical testing. Allele origin: germline.
Comment: Null variant in a gene where loss of function (LOF) is a known mechanism of disease.;Absent from controls (or at extremely low frequency if recessive) in Genome Aggregation Database.

NM_001130987.2(DYSF):c.5247_5248del (p.Arg1749fs)

Gene: DYSF (dysferlin; plus strand). Cytogenetic location: 2p13.2.
Variant type: Microsatellite.
Coding change: c.5247_5248del on transcript NM_001130987.2 (MANE Select); coding-DNA positions 5247 to 5248, 2 bases deleted (AG; older notation c.5247_5248delAG).
Protein change: p.Arg1749fs; shifts the reading frame from arginine 1749.
Molecular consequence: frameshift variant.
Genome position (GRCh38, 1-based): chr2:71,665,234-71,665,235, AG deleted; deleting any 2 consecutive bases within chr2:71,665,232-71,665,235 gives the same sequence; the c. name uses the placement nearest the transcript's 3' end. VCF-style (leftmost placement, unchanged base first): chr2-71665231-TAG-T. GRCh37 (hg19) VCF-style: chr2-71892361-TAG-T.
Other names: c.5133_5134del, p.Arg1711fs (NM_001130455.2); c.5088_5089del, p.Arg1696fs (NM_001130976.2); c.5151_5152del, p.Arg1717fs (NM_001130977.2); c.5193_5194del, p.Arg1731fs (NM_001130978.2); c.5223_5224del, p.Arg1741fs (NM_001130979.2); c.5181_5182del, p.Arg1727fs (NM_001130980.2); c.5244_5245del, p.Arg1748fs (NM_001130981.2); c.5226_5227del, p.Arg1742fs (NM_001130982.2); and 6 more; short protein forms R1696fs, R1697fs, R1710fs, R1711fs, R1717fs, R1718fs, R1727fs, R1728fs.
Identifiers: ClinVar variation 3062053 (VCV003062053.4), dbSNP rs2546547353, ClinGen allele CA2740095632.